The following is an entry in ClinVar:

NM_182760.4(SUMF1):c.25G>C (p.Val9Leu)

Gene: SUMF1 (sulfatase modifying factor 1; minus strand). Cytogenetic location: 3p26.1.
Variant type: single nucleotide variant.
Coding change: c.25G>C on transcript NM_182760.4 (MANE Select); coding-DNA position 25, G replaced by C.
Protein change: p.Val9Leu; replaces valine 9 with leucine.
Molecular consequence: missense variant.
Genome position (GRCh38, 1-based): chr3:4,467,221, C>G on the plus strand (G>C on the coding strand, the complement: SUMF1 is on the minus strand). VCF-style: chr3-4467221-C-G. GRCh37 (hg19) VCF-style: chr3-4508905-C-G.
Other names: c.25G>C, p.Val9Leu (NM_001164674.2, NM_001164675.2); short protein forms V9L.
Identifiers: ClinVar variation 1952291 (VCV001952291.3), dbSNP rs747445470, ClinGen allele CA2230743.

ClinVar aggregate classification (germline): Uncertain significance (1 of 4 stars; one submission).

Conditions:
Multiple sulfatase deficiency (MSD). Also called: Mucosulfatidosis; Multiple Sulfatase Deficiency Disease; Sulfatidosis, Juvenile, Austin Type. Identifiers: Orphanet 585, MedGen C0268263, MONDO:0010088, OMIM 272200.

Allele frequency attached by ClinVar (database versions not stated): TOPMed 0.00001; gnomAD 0.00005; ExAC 0.00006; 1000 Genomes Project 30x 0.00016.
gnomAD v4.1: 32 of 1,611,534 alleles (0.002%); highest among the groups gnomAD compares: African/African-American, 0.0027%; no homozygotes.

Submission:

Labcorp Genetics (formerly Invitae), Labcorp
Classification: Uncertain significance for Multiple sulfatase deficiency. Last evaluated: 2024-02-24. Review status: criteria provided, single submitter. Criteria: Invitae Variant Classification Sherloc (09022015). Collection method: clinical testing. Allele origin: germline.
Comment: This sequence change replaces valine, which is neutral and non-polar, with leucine, which is neutral and non-polar, at codon 9 of the SUMF1 protein (p.Val9Leu). This variant is present in population databases (rs747445470, gnomAD 0.007%). This variant has not been reported in the literature in individuals affected with SUMF1-related conditions. ClinVar contains an entry for this variant (Variation ID: 1952291). Advanced modeling of protein sequence and biophysical properties (such as structural, functional, and spatial information, amino acid conservation, physicochemical variation, residue mobility, and thermodynamic stability) has been performed at Invitae for this missense variant, however the output from this modeling did not meet the statistical confidence thresholds required to predict the impact of this variant on SUMF1 protein function. In summary, the available evidence is currently insufficient to determine the role of this variant in disease. Therefore, it has been classified as a Variant of Uncertain Significance.